The following is an entry in ClinVar:

NM_021814.5(ELOVL5):c.235A>T (p.Met79Leu)

Gene: ELOVL5 (ELOVL fatty acid elongase 5; minus strand). Cytogenetic location: 6p12.1.
Variant type: single nucleotide variant.
Coding change: c.235A>T on transcript NM_021814.5 (MANE Select); coding-DNA position 235, A replaced by T.
Protein change: p.Met79Leu; replaces methionine 79 with leucine.
Molecular consequence: missense variant.
Genome position (GRCh38, 1-based): chr6:53,291,787, T>A on the plus strand (A>T on the coding strand, the complement: ELOVL5 is on the minus strand). VCF-style: chr6-53291787-T-A. GRCh37 (hg19) VCF-style: chr6-53156585-T-A.
Other names: c.235A>T, p.Met79Leu (NM_001242828.2, NM_001242830.2, NM_001301856.2); short protein forms M79L.
Identifiers: ClinVar variation 984690 (VCV000984690.3), dbSNP rs1766783949, ClinGen allele CA364483379.

ClinVar aggregate classification (germline): Uncertain significance (1 of 4 stars; one submission).

Conditions:
Spinocerebellar ataxia type 38. Identifiers: Orphanet 423296, MedGen C4518337, MONDO:0014417, OMIM 615957.

Allele frequency attached by ClinVar (database versions not stated): TOPMed below 0.00001.
gnomAD v4.1: 1 of 1,612,036 alleles (0.000062%); highest among the groups gnomAD compares: Non-Finnish European, 0.000085%; no homozygotes.

Submission:

Institute of Human Genetics, University of Goettingen
Classification: Uncertain significance for Spinocerebellar ataxia type 38. Last evaluated: 2020-11-12. Review status: criteria provided, single submitter. Criteria: ACMG Guidelines, 2015. Collection method: clinical testing. Allele origin: unknown. Inheritance: Autosomal dominant inheritance. Observed: 1 heterozygote.
Comment: The variant c.235A>T (p.(Met79Leu)) in exon 3 of the ELOVL5-gene is not found in known databases (ExAC or gnomAD), it affects a highly conserved nucleotide, a highly conserved amino acid and there is a small physicochemical difference between Met and Leu. This variant is located within a protein domain and has a pathogenic computational verdict based on 9 pathogenic predictions from BayesDel_addAF, DANN, EIGEN, FATHMM-MKL, LIST-S2, M-CAP, MutationTaster, PolyPhen-2 and SIFT vs 5 benign predictions from DEOGEN2, MVP, MutationAssessor, PrimateAI and REVEL. ACMG criteria used for classification: PM1, PM2, PP3.